The following is an entry in ClinVar:

ClinVar aggregate classification (germline): Likely benign (0 of 4 stars; one submission).

Conditions:
BBS7-related disorder. Also called: BBS7-related condition.

Submission:

PreventionGenetics, part of Exact Sciences
Classification: Likely benign for BBS7-related condition. Last evaluated: 2020-04-04. Review status: no assertion criteria provided. Collection method: clinical testing. Allele origin: germline.
Comment: This variant is classified as likely benign based on ACMG/AMP sequence variant interpretation guidelines (Richards et al. 2015 PMID: 25741868, with internal and published modifications).

NM_176824.3(BBS7):c.39G>A (p.Val13=)

Gene: BBS7 (Bardet-Biedl syndrome 7; minus strand). Cytogenetic location: 4q27.
Variant type: single nucleotide variant.
Coding change: c.39G>A on transcript NM_176824.3 (MANE Select); coding-DNA position 39, G replaced by A.
Protein change: p.Val13=; no amino-acid change (valine 13 retained).
Molecular consequence: synonymous variant.
Genome position (GRCh38, 1-based): chr4:121,868,044, C>T on the plus strand (G>A on the coding strand, the complement: BBS7 is on the minus strand). VCF-style: chr4-121868044-C-T. GRCh37 (hg19) VCF-style: chr4-122789199-C-T.
Other names: c.39G>A, p.Val13= (NM_018190.4).
Identifiers: ClinVar variation 3352142 (VCV003352142.1).